The following is an entry in ClinVar:

ClinVar aggregate classification (germline): Uncertain significance (1 of 4 stars; one submission).

Conditions:
Charcot-Marie-Tooth disease axonal type 2P. Also called: CHARCOT-MARIE-TOOTH DISEASE, AXONAL, TYPE 2G; CMT 2G; CHARCOT-MARIE-TOOTH NEUROPATHY, TYPE 2P; Charcot-Marie-Tooth Neuropathy Type 2G. Identifiers: Orphanet 300319, Orphanet 99941, MedGen C3280797, MONDO:0013753, OMIM 614436.

gnomAD v4.1: 1 of 1,614,036 alleles (0.000062%); no homozygotes.

Submission:

Labcorp Genetics (formerly Invitae), Labcorp
Classification: Uncertain significance for Charcot-Marie-Tooth disease axonal type 2P. Last evaluated: 2022-09-06. Review status: criteria provided, single submitter. Criteria: Invitae Variant Classification Sherloc (09022015). Collection method: clinical testing. Allele origin: germline.
Comment: Algorithms developed to predict the effect of missense changes on protein structure and function (SIFT, PolyPhen-2, Align-GVGD) all suggest that this variant is likely to be disruptive. In summary, the available evidence is currently insufficient to determine the role of this variant in disease. Therefore, it has been classified as a Variant of Uncertain Significance. This sequence change replaces leucine, which is neutral and non-polar, with glutamine, which is neutral and polar, at codon 169 of the LRSAM1 protein (p.Leu169Gln). This variant is not present in population databases (gnomAD no frequency). This variant has not been reported in the literature in individuals affected with LRSAM1-related conditions. ClinVar contains an entry for this variant (Variation ID: 1402067).

NM_001005373.4(LRSAM1):c.506T>A (p.Leu169Gln)

Gene: LRSAM1 (leucine rich repeat and sterile alpha motif containing 1; plus strand). Cytogenetic location: 9q33.3.
Variant type: single nucleotide variant.
Coding change: c.506T>A on transcript NM_001005373.4 (MANE Select); coding-DNA position 506, T replaced by A.
Protein change: p.Leu169Gln; replaces leucine 169 with glutamine.
Molecular consequence: missense variant. On other transcripts: 5 prime UTR variant (1), non-coding transcript variant (2).
Genome position (GRCh38, 1-based): chr9:127,462,351, T>A. VCF-style: chr9-127462351-T-A. GRCh37 (hg19) VCF-style: chr9-130224630-T-A.
Other names: c.506T>A, p.Leu169Gln (NM_001005374.4, NM_001190723.3, NM_001384142.1 and 2 more transcripts); c.-279T>A (NM_001384144.1); short protein forms L169Q.
Identifiers: ClinVar variation 1402067 (VCV001402067.8), dbSNP rs2132014587, ClinGen allele CA374928173.